The following is an entry in ClinVar:

ClinVar aggregate classification (germline): Uncertain significance (1 of 4 stars; one submission).

Submission:

Ambry Genetics
Classification: Uncertain significance. Last evaluated: 2024-01-16. Review status: criteria provided, single submitter. Criteria: Ambry Variant Classification Scheme 2023. Collection method: clinical testing. Allele origin: germline.
Comment: The p.C274G variant (also known as c.820T>G), located in coding exon 4 of the MNDA gene, results from a T to G substitution at nucleotide position 820. The cysteine at codon 274 is replaced by glycine, an amino acid with highly dissimilar properties. This amino acid position is conserved. In addition, this alteration is predicted to be tolerated by in silico analysis. Since supporting evidence is limited at this time, the clinical significance of this alteration remains unclear.

NM_002432.3(MNDA):c.820T>G (p.Cys274Gly)

Gene: MNDA (myeloid cell nuclear differentiation antigen; plus strand). Cytogenetic location: 1q23.1.
Variant type: single nucleotide variant.
Coding change: c.820T>G on transcript NM_002432.3 (MANE Select); coding-DNA position 820, T replaced by G.
Protein change: p.Cys274Gly; replaces cysteine 274 with glycine.
Molecular consequence: missense variant.
Genome position (GRCh38, 1-based): chr1:158,845,836, T>G. VCF-style: chr1-158845836-T-G. GRCh37 (hg19) VCF-style: chr1-158815626-T-G.
Other names: short protein forms C274G.
Identifiers: ClinVar variation 3222209 (VCV003222209.1), dbSNP rs1659123063, ClinGen allele CA343041921.